The following is an entry in ClinVar:

ClinVar aggregate classification (germline): Uncertain significance (1 of 4 stars; one submission).

Conditions:
Hereditary cancer-predisposing syndrome. Also called: Neoplastic Syndromes, Hereditary; Tumor predisposition; Hereditary neoplastic syndrome; Hereditary Cancer Syndrome. Identifiers: Orphanet 140162, MedGen C0027672, MeSH D009386, MONDO:0015356.

Submission:

Ambry Genetics
Classification: Uncertain significance for Hereditary cancer-predisposing syndrome. Last evaluated: 2026-07-06. Review status: criteria provided, single submitter. Criteria: Ambry Variant Classification Scheme 2023. Collection method: clinical testing. Allele origin: germline.
Comment: The p.S797R variant (also known as c.2391C>G), located in coding exon 16 of the PDGFRA gene, results from a C to G substitution at nucleotide position 2391. The serine at codon 797 is replaced by arginine, an amino acid with dissimilar properties. This amino acid position is conserved. In addition, this alteration is predicted to be deleterious by in silico analysis. Based on the available evidence, the clinical significance of this variant remains unclear.

NM_006206.6(PDGFRA):c.2391C>G (p.Ser797Arg)

Gene: PDGFRA (platelet derived growth factor receptor alpha; plus strand). Cytogenetic location: 4q12.
Variant type: single nucleotide variant.
Coding change: c.2391C>G on transcript NM_006206.6 (MANE Select); coding-DNA position 2391, C replaced by G.
Protein change: p.Ser797Arg; replaces serine 797 with arginine.
Molecular consequence: missense variant.
Genome position (GRCh38, 1-based): chr4:54,285,438, C>G. VCF-style: chr4-54285438-C-G. GRCh37 (hg19) VCF-style: chr4-55151605-C-G.
Other names: c.2466C>G, p.Ser822Arg (NM_001347828.2); c.2391C>G, p.Ser797Arg (NM_001347829.2); c.2430C>G, p.Ser810Arg (NM_001347830.2); short protein forms S797R, S810R, S822R.
Identifiers: ClinVar variation 5026419 (VCV005026419.1).